The following is an entry in ClinVar:

ClinVar aggregate classification (germline): Pathogenic (1 of 4 stars; one submission).

Conditions:
Mucolipidosis type IV (ML4). Also called: ML IV. Identifiers: Orphanet 578, MedGen C0238286, MONDO:0009653, OMIM 252650.

Submission:

Labcorp Genetics (formerly Invitae), Labcorp
Classification: Pathogenic for Mucolipidosis type IV. Last evaluated: 2021-09-09. Review status: criteria provided, single submitter. Criteria: Invitae Variant Classification Sherloc (09022015). Collection method: clinical testing. Allele origin: germline.
Comment: This sequence change creates a premature translational stop signal (p.Gln282*) in the MCOLN1 gene. It is expected to result in an absent or disrupted protein product. Loss-of-function variants in MCOLN1 are known to be pathogenic (PMID: 11030752, 11317355). This variant is not present in population databases (ExAC no frequency). This variant has not been reported in the literature in individuals affected with MCOLN1-related conditions. For these reasons, this variant has been classified as Pathogenic.

Literature cited by the submitters: PubMed 11030752; PubMed 11317355.

NM_020533.3(MCOLN1):c.844C>T (p.Gln282Ter)

Gene: MCOLN1 (mucolipin TRP cation channel 1; plus strand). Cytogenetic location: 19p13.2.
Variant type: single nucleotide variant.
Coding change: c.844C>T on transcript NM_020533.3 (MANE Select); coding-DNA position 844, C replaced by T.
Protein change: p.Gln282Ter; replaces glutamine 282 with a stop codon.
Molecular consequence: nonsense.
Genome position (GRCh38, 1-based): chr19:7,528,224, C>T. VCF-style: chr19-7528224-C-T. GRCh37 (hg19) VCF-style: chr19-7593110-C-T.
Other names: short protein forms Q282*.
Identifiers: ClinVar variation 1455180 (VCV001455180.6), dbSNP rs2146024231, ClinGen allele CA403084806.
Genomic context (GRCh38, chr19:7,528,224, plus strand): 5'-TTTGACAACAAAGCACACAGTGGGCGGATCCCCATCAGCCTGGAGACCCAGGCCCACATC[C>T]AGGAGTGTAAGCACCCCAGTGTCTTCCAGCACGGTGAGCCCCTGAGCCCCAGACCAGCAC-3'